The following is an entry in ClinVar:

ClinVar aggregate classification (germline): Uncertain significance (1 of 4 stars; one submission).

Conditions:
Intellectual disability, CASK-related, X-linked. Identifiers: MedGen CN043158.

gnomAD v4.1: 4 of 1,209,814 alleles (0.00033%); highest among the groups gnomAD compares: Middle Eastern, 0.046%; no homozygotes.

Submission:

Labcorp Genetics (formerly Invitae), Labcorp
Classification: Uncertain significance for Intellectual disability, CASK-related, X-linked. Last evaluated: 2023-09-30. Review status: criteria provided, single submitter. Criteria: Invitae Variant Classification Sherloc (09022015). Collection method: clinical testing. Allele origin: germline.
Comment: In summary, the available evidence is currently insufficient to determine the role of this variant in disease. Therefore, it has been classified as a Variant of Uncertain Significance. Advanced modeling of protein sequence and biophysical properties (such as structural, functional, and spatial information, amino acid conservation, physicochemical variation, residue mobility, and thermodynamic stability) has been performed at Invitae for this missense variant, however the output from this modeling did not meet the statistical confidence thresholds required to predict the impact of this variant on CASK protein function. ClinVar contains an entry for this variant (Variation ID: 1013981). This missense change has been observed in at least one individual who was not affected with CASK-related conditions (Invitae). This missense change has been observed in individual(s) with clinical features of epileptic encephalopathy and CASK-related conditions (Invitae). This variant is not present in population databases (gnomAD no frequency). This sequence change replaces aspartic acid, which is acidic and polar, with glutamic acid, which is acidic and polar, at codon 776 of the CASK protein (p.Asp776Glu).

NM_001367721.1(CASK):c.2343C>G (p.Asp781Glu)

Gene: CASK (calcium/calmodulin dependent serine protein kinase; minus strand). Cytogenetic location: Xp11.4.
Variant type: single nucleotide variant.
Coding change: c.2343C>G on transcript NM_001367721.1 (MANE Select); coding-DNA position 2343, C replaced by G.
Protein change: p.Asp781Glu; replaces aspartic acid 781 with glutamic acid.
Molecular consequence: missense variant.
Genome position (GRCh38, 1-based): chrX:41,531,184, G>C on the plus strand (C>G on the coding strand, the complement: CASK is on the minus strand). VCF-style: chrX-41531184-G-C. GRCh37 (hg19) VCF-style: chrX-41390437-G-C.
Other names: c.2259C>G, p.Asp753Glu (NM_001126054.3); c.2256C>G, p.Asp752Glu (NM_001126055.3); c.2325C>G, p.Asp775Glu (NM_001410745.1); c.2328C>G, p.Asp776Glu (NM_003688.4); short protein forms D752E, D753E, D776E, D781E, D775E.
Identifiers: ClinVar variation 1013981 (VCV001013981.8), dbSNP rs55642200, ClinGen allele CA412990611.